The following is an entry in ClinVar:

NM_003072.5(SMARCA4):c.2668C>T (p.His890Tyr)

Gene: SMARCA4 (SWI/SNF related BAF chromatin remodeling complex subunit ATPase 4; plus strand). Cytogenetic location: 19p13.2.
Variant type: single nucleotide variant.
Coding change: c.2668C>T on transcript NM_003072.5 (MANE Select); coding-DNA position 2668, C replaced by T.
Protein change: p.His890Tyr; replaces histidine 890 with tyrosine.
Molecular consequence: missense variant. On other transcripts: non-coding transcript variant (1).
Genome position (GRCh38, 1-based): chr19:11,021,776, C>T. VCF-style: chr19-11021776-C-T. GRCh37 (hg19) VCF-style: chr19-11132452-C-T.
Other names: c.2668C>T, p.His890Tyr (NM_001128844.3, NM_001128845.2, NM_001128846.2 and 6 more transcripts); short protein forms H890Y.
Identifiers: ClinVar variation 1794516 (VCV001794516.2), dbSNP rs2146416763, ClinGen allele CA404055900.

ClinVar aggregate classification (germline): Uncertain significance (1 of 4 stars; one submission).

Conditions:
Hereditary cancer-predisposing syndrome. Also called: Tumor predisposition; Hereditary Cancer Syndrome; Neoplastic Syndromes, Hereditary; Hereditary neoplastic syndrome. Identifiers: Orphanet 140162, MedGen C0027672, MeSH D009386, MONDO:0015356.

Submission:

Ambry Genetics
Classification: Uncertain significance for Hereditary cancer-predisposing syndrome. Last evaluated: 2021-10-11. Review status: criteria provided, single submitter. Criteria: Ambry Variant Classification Scheme 2023. Collection method: clinical testing. Allele origin: germline.
Comment: The p.H890Y variant (also known as c.2668C>T), located in coding exon 18 of the SMARCA4 gene, results from a C to T substitution at nucleotide position 2668. The histidine at codon 890 is replaced by tyrosine, an amino acid with similar properties. This amino acid position is highly conserved in available vertebrate species. In addition, this alteration is predicted to be deleterious by in silico analysis. Missense and in-frame variants in SMARCA4 are known to cause neurodevelopmental disorders; however, such associations with rhabdoid tumor predisposition syndrome including small cell carcinoma of the ovary-hypercalcemic type (SCCOHT) are exceedingly rare (Kosho T et al. Am J Med Genet C Semin Med Genet. 2014 Sep;166C(3):262-75; Jelinic P et al. Nat Genet. 2014 May;46(5):424-6). Since supporting evidence is limited at this time, the clinical significance of this alteration remains unclear.